The following is an entry in ClinVar:

NM_005585.5(SMAD6):c.415C>T (p.Arg139Trp)

Gene: SMAD6 (SMAD family member 6; plus strand). Cytogenetic location: 15q22.31.
Variant type: single nucleotide variant.
Coding change: c.415C>T on transcript NM_005585.5 (MANE Select); coding-DNA position 415, C replaced by T.
Protein change: p.Arg139Trp; replaces arginine 139 with tryptophan.
Molecular consequence: missense variant. On other transcripts: non-coding transcript variant (1).
Genome position (GRCh38, 1-based): chr15:66,703,673, C>T. VCF-style: chr15-66703673-C-T. GRCh37 (hg19) VCF-style: chr15-66996011-C-T.
Other names: short protein forms R139W.
Identifiers: ClinVar variation 1738331 (VCV001738331.8), dbSNP rs554746292, ClinGen allele CA7626465.

ClinVar aggregate classification (germline): Uncertain significance. Review status: criteria provided, multiple submitters, no conflicts (2 of 4 stars). 3 submissions from 3 submitters: Uncertain significance (3). Last evaluated 2026-01-02.

Conditions:
Inborn genetic diseases. Identifiers: MedGen C0950123, MeSH D030342.
Aortic valve disease 2 (AOVD2). Identifiers: MedGen C3542024, MONDO:0013902, OMIM 614823.
SMAD6-related disease. Also called: SMAD6-related disorder; SMAD6-related condition. Identifiers: MedGen CN381596, MONDO:0700324.

Allele frequency attached by ClinVar (database versions not stated): TOPMed 0.00012; gnomAD 0.00015; 1000 Genomes Project 30x 0.00031; 1000 Genomes Project 0.00040; ExAC 0.00394.

Submissions (3):

Labcorp Genetics (formerly Invitae), Labcorp
Classification: Uncertain significance for Aortic valve disease 2. Last evaluated: 2026-01-02. Review status: criteria provided, single submitter. Criteria: Invitae Variant Classification Sherloc (09022015). Collection method: clinical testing. Allele origin: germline.
Comment: This sequence change replaces arginine, which is basic and polar, with tryptophan, which is neutral and slightly polar, at codon 139 of the SMAD6 protein (p.Arg139Trp). This variant is present in population databases (rs554746292, gnomAD 0.05%). This variant has not been reported in the literature in individuals affected with SMAD6-related conditions. ClinVar contains an entry for this variant (Variation ID: 1738331). An algorithm developed to predict the effect of missense changes on protein structure and function (PolyPhen-2) suggests that this variant is likely to be tolerated. In summary, the available evidence is currently insufficient to determine the role of this variant in disease. Therefore, it has been classified as a Variant of Uncertain Significance.

PreventionGenetics, part of Exact Sciences
Classification: Uncertain significance for SMAD6-related condition. Last evaluated: 2025-11-22. Review status: criteria provided, single submitter. Criteria: ACMG Guidelines, 2015. Collection method: clinical testing. Allele origin: germline.
Comment: The SMAD6 c.415C>T variant is predicted to result in the amino acid substitution p.Arg139Trp. To our knowledge, this variant has not been reported in the literature. This variant is reported in 0.035% of alleles in individuals of African descent in gnomAD. Although we suspect that this variant may be benign, at this time, the clinical significance of this variant is uncertain due to the absence of conclusive functional and genetic evidence.

Ambry Genetics
Classification: Uncertain significance for Inborn genetic diseases. Last evaluated: 2023-12-31. Review status: criteria provided, single submitter. Criteria: Ambry Variant Classification Scheme 2023. Collection method: clinical testing. Allele origin: germline.
Comment: The p.R139W variant (also known as c.415C>T), located in coding exon 1 of the SMAD6 gene, results from a C to T substitution at nucleotide position 415. The arginine at codon 139 is replaced by tryptophan, an amino acid with dissimilar properties. This amino acid position is conserved. In addition, this alteration is predicted to be tolerated by in silico analysis. Since supporting evidence is limited at this time, the clinical significance of this alteration remains unclear.